The following is an entry in ClinVar:

NM_012210.4(TRIM32):c.307T>C (p.Cys103Arg)

Genes: ASTN2 (astrotactin 2; minus strand), TRIM32 (tripartite motif containing 32; plus strand). Cytogenetic location: 9q33.1.
Variant type: single nucleotide variant.
Coding change: c.307T>C on transcript NM_012210.4 (MANE Select); coding-DNA position 307, T replaced by C.
Protein change: p.Cys103Arg; replaces cysteine 103 with arginine.
Molecular consequence: missense variant. On other transcripts: intron variant (3).
Genome position (GRCh38, 1-based): chr9:116,698,049, T>C. VCF-style: chr9-116698049-T-C. GRCh37 (hg19) VCF-style: chr9-119460328-T-C.
Other names: c.307T>C, p.Cys103Arg (NM_001099679.2, NM_001379048.1, NM_001379049.1 and 1 more transcripts); c.2653+27722A>G (NM_014010.5); c.2794+27722A>G (NM_001365069.1); c.2806+27722A>G (NM_001365068.1); short protein forms C103R.
Identifiers: ClinVar variation 4681743 (VCV004681743.5).
Genomic context (GRCh38, chr9:116,698,049, plus strand): 5'-CTAAAGATCATTGATACAGCTGGGCTCAGCGAGGCTGTGGGGCTGCTCATGTGTCGGTCC[T>C]GTGGGCGGCGTCTGCCCCGGCAATTCTGCCGGAGCTGTGGTTTGGTGTTATGTGAGCCCT-3'
Protein context (NP_036342.2, residues 93-113): EAVGLLMCRS[Cys103Arg]GRRLPRQFCR

ClinVar aggregate classification (germline): Uncertain significance (1 of 4 stars; one submission).

gnomAD v4.1: 4 of 1,613,960 alleles (0.00025%); highest among the groups gnomAD compares: Non-Finnish European, 0.00034%; no homozygotes.

Submission:

CeGaT Center for Human Genetics Tuebingen
Classification: Uncertain significance. Last evaluated: 2025-12-01. Review status: criteria provided, single submitter. Criteria: CeGaT Center For Human Genetics Tuebingen Variant Classification Criteria Version 2. Collection method: clinical testing. Allele origin: germline. Affected: yes. Observed: 1 variant allele.
Comment: TRIM32: PM2